The following is an entry in ClinVar:

ClinVar aggregate classification (germline): Uncertain significance (1 of 4 stars; one submission).

Allele frequency attached by ClinVar (database versions not stated): gnomAD exomes below 0.00001.

Submission:

Labcorp Genetics (formerly Invitae), Labcorp
Classification: Uncertain significance. Last evaluated: 2023-08-30. Review status: criteria provided, single submitter. Criteria: Invitae Variant Classification Sherloc (09022015). Collection method: clinical testing. Allele origin: germline.
Comment: Advanced modeling of protein sequence and biophysical properties (such as structural, functional, and spatial information, amino acid conservation, physicochemical variation, residue mobility, and thermodynamic stability) performed at Invitae indicates that this missense variant is not expected to disrupt KCNC3 protein function. In summary, the available evidence is currently insufficient to determine the role of this variant in disease. Therefore, it has been classified as a Variant of Uncertain Significance. This variant has not been reported in the literature in individuals affected with KCNC3-related conditions. This variant is not present in population databases (gnomAD no frequency). This sequence change replaces proline, which is neutral and non-polar, with leucine, which is neutral and non-polar, at codon 642 of the KCNC3 protein (p.Pro642Leu).

NM_004977.3(KCNC3):c.1925C>T (p.Pro642Leu)

Gene: KCNC3 (potassium voltage-gated channel subfamily C member 3; minus strand). Cytogenetic location: 19q13.33.
Variant type: single nucleotide variant.
Coding change: c.1925C>T on transcript NM_004977.3 (MANE Select); coding-DNA position 1925, C replaced by T.
Protein change: p.Pro642Leu; replaces proline 642 with leucine.
Molecular consequence: missense variant.
Genome position (GRCh38, 1-based): chr19:50,323,028, G>A on the plus strand (C>T on the coding strand, the complement: KCNC3 is on the minus strand). VCF-style: chr19-50323028-G-A. GRCh37 (hg19) VCF-style: chr19-50826285-G-A.
Other names: c.1697C>T, p.Pro566Leu (NM_001372305.1); short protein forms P642L, P566L.
Identifiers: ClinVar variation 2860317 (VCV002860317.3), dbSNP rs2513798406, ClinGen allele CA406949568.
Genomic context (GRCh38, chr19:50,323,028, plus strand): 5'-GGCTCACCTGCCCGGTTGATCTCAATCACCTCCTCCTGAGCCAACGGGCAAGGCTCGCCG[G>A]GGGCTGGCAGAGGAGGCAGCCCCATGATCCCCAGCCCACCCGCTCCCCCCCTGAGCAGCC-3'
Protein context (NP_004968.2, residues 632-652): GIMGLPPLPA[Pro642Leu]GEPCPLAQEE